The following is an entry in ClinVar:

NM_001009944.3(PKD1):c.12320G>A (p.Arg4107His)

Gene: PKD1 (polycystin 1, transient receptor potential channel interacting; minus strand). Cytogenetic location: 16p13.3.
Variant type: single nucleotide variant.
Coding change: c.12320G>A on transcript NM_001009944.3 (MANE Select); coding-DNA position 12320, G replaced by A.
Protein change: p.Arg4107His; replaces arginine 4107 with histidine.
Molecular consequence: missense variant.
Genome position (GRCh38, 1-based): chr16:2,090,409, C>T on the plus strand (G>A on the coding strand, the complement: PKD1 is on the minus strand). VCF-style: chr16-2090409-C-T. GRCh37 (hg19) VCF-style: chr16-2140410-C-T.
Other names: c.12317G>A, p.Arg4106His (NM_000296.4); short protein forms R4106H, R4107H.
Identifiers: ClinVar variation 4986903 (VCV004986903.1).
Genomic context (GRCh38, chr16:2,090,409, plus strand): 5'-TAGTCCTGGGGCTCCCAGGCCGGCCGGTACAGCTCTCCACGCAAGGCGTGGTAGCGCCAG[C>T]GGAGAATAACAGCCCCCAGCCGTAGGGCGCCCCACAGCCGCAGTGCCCAGAGCCCCACAC-3'
Protein context (NP_001009944.3, residues 4097-4117): GALRLGAVIL[Arg4107His]WRYHALRGEL

ClinVar aggregate classification (germline): Uncertain significance (1 of 4 stars; one submission).

Conditions:
PKD1-related disorder. Also called: PKD1-related condition.

gnomAD v4.1: 17 of 1,612,532 alleles (0.0011%); highest among the groups gnomAD compares: Admixed American, 0.0067%; no homozygotes.

Submission:

PreventionGenetics, part of Exact Sciences
Classification: Uncertain significance for PKD1-related condition. Last evaluated: 2025-03-19. Review status: criteria provided, single submitter. Criteria: ACMG Guidelines, 2015. Collection method: clinical testing. Allele origin: germline.
Comment: The PKD1 c.12320G>A variant is predicted to result in the amino acid substitution p.Arg4107His. This variant was reported in an individual with autosomal dominant polycystic kidney disease (ADPKD) (García Rabaneda et al. 2024. PubMed ID: 38541974). This variant is reported in 0.0029% of alleles in individuals of Latino descent in gnomAD. At this time, the clinical significance of this variant is uncertain due to the absence of conclusive functional and genetic evidence.